The following is an entry in ClinVar:

ClinVar aggregate classification (germline): Pathogenic (1 of 4 stars; one submission).

Conditions:
Familial focal epilepsy with variable foci (FPEVF). Identifiers: Orphanet 98820, MedGen C1858477, MONDO:0020310.

Submission:

Labcorp Genetics (formerly Invitae), Labcorp
Classification: Pathogenic for Familial focal epilepsy with variable foci. Last evaluated: 2025-07-25. Review status: criteria provided, single submitter. Criteria: Invitae Variant Classification Sherloc (09022015). Collection method: clinical testing. Allele origin: germline.
Comment: This sequence change creates a premature translational stop signal (p.Tyr1515Phefs*51) in the DEPDC5 gene. While this is not anticipated to result in nonsense mediated decay, it is expected to disrupt the last 89 amino acid(s) of the DEPDC5 protein. This variant is not present in population databases (gnomAD no frequency). This variant has not been reported in the literature in individuals affected with DEPDC5-related conditions. ClinVar contains an entry for this variant (Variation ID: 2088539). This variant disrupts a region of the DEPDC5 protein in which other variant(s) (p.Asp1565*) have been determined to be pathogenic (PMID: 28549235, 31639411). This suggests that this is a clinically significant region of the protein, and that variants that disrupt it are likely to be disease-causing. For these reasons, this variant has been classified as Pathogenic.

Literature cited by the submitters: PubMed 28549235; PubMed 31639411.

NM_001242896.3(DEPDC5):c.4544_4545del (p.Tyr1515fs)

Gene: DEPDC5 (DEP domain containing 5, GATOR1 subcomplex subunit; plus strand). Cytogenetic location: 22q12.3.
Variant type: Deletion.
Coding change: c.4544_4545del on transcript NM_001242896.3 (MANE Select); coding-DNA positions 4544 to 4545, 2 bases deleted (AC; older notation c.4544_4545delAC).
Protein change: p.Tyr1515fs; shifts the reading frame from tyrosine 1515.
Molecular consequence: frameshift variant. On other transcripts: non-coding transcript variant (5).
Genome position (GRCh38, 1-based): chr22:31,906,229-31,906,230, AC deleted. VCF-style (leftmost placement, unchanged base first): chr22-31906228-TAC-T. GRCh37 (hg19) VCF-style: chr22-32302214-TAC-T.
Other names: c.4517_4518del, p.Tyr1506fs (NM_001136029.4); c.4244_4245del, p.Tyr1415fs (NM_001242897.2); c.4478_4479del, p.Tyr1493fs (NM_001363852.2, NM_001364320.2); c.4310_4311del, p.Tyr1437fs (NM_001363854.2, NM_001364319.2); c.4544_4545del, p.Tyr1515fs (NM_001364318.2); c.4460_4461del, p.Tyr1487fs (NM_001369901.1, NM_001369902.1); c.4451_4452del, p.Tyr1484fs (NM_001369903.1, NM_014662.6); short protein forms Y1493fs, Y1515fs, Y1484fs, Y1506fs, Y1437fs, Y1487fs, Y1415fs.
Identifiers: ClinVar variation 2088539 (VCV002088539.4), dbSNP rs2523593612, ClinGen allele CA2580099653.